The following is an entry in ClinVar:

NM_015627.3(LDLRAP1):c.1A>G (p.Met1Val)

Genes: LDLRAP1 (low density lipoprotein receptor adaptor protein 1; plus strand), LOC129929773 (ATAC-STARR-seq lymphoblastoid silent region 456; plus strand). Cytogenetic location: 1p36.11.
Variant type: single nucleotide variant.
Coding change: c.1A>G on transcript NM_015627.3 (MANE Select); coding-DNA position 1, A replaced by G.
Protein change: p.Met1Val; changes the start codon (methionine 1).
Molecular consequence: missense variant, initiator codon variant.
Genome position (GRCh38, 1-based): chr1:25,543,699, A>G. VCF-style: chr1-25543699-A-G. GRCh37 (hg19) VCF-style: chr1-25870190-A-G.
Other names: short protein forms M1V.
Identifiers: ClinVar variation 2441156 (VCV002441156.6), dbSNP rs1019504966, ClinGen allele CA19669426.
Genomic context (GRCh38, chr1:25,543,699, plus strand): 5'-GGAAAGTTTTTCCTGACGGAGTTTTGGCTGCGGCAGCGGCGGCGGCGGCCGGAGCGGGCC[A>G]TGGACGCGCTCAAGTCGGCGGGGCGGGCGCTGATCCGGAGCCCCAGCTTGGCCAAGCAGA-3'
Protein context (NP_056442.2, residues 1-11): [Met1Val]DALKSAGRAL

ClinVar aggregate classification (germline): Likely pathogenic. Review status: criteria provided, multiple submitters, no conflicts (2 of 4 stars). 3 submissions from 3 submitters: Likely pathogenic (3). Last evaluated 2025-01-02.

Conditions:
Familial hypercholesterolemia. Also called: Familial hypercholesterolemias; Familial hypercholesterolaemia. Identifiers: MedGen C0020445, MONDO:0005439.
Cardiovascular phenotype. Identifiers: MedGen CN230736.
Hypercholesterolemia, familial, 4 (FHCL4). Also called: HYPERCHOLESTEROLEMIA, AUTOSOMAL RECESSIVE, 1; HYPERCHOLESTEROLEMIA, AUTOSOMAL RECESSIVE, 2. Identifiers: Orphanet 391665, MedGen C1863512, MONDO:0011374, OMIM 603813.

Allele frequency attached by ClinVar (database versions not stated): gnomAD 0.00001; TOPMed 0.00002.

Submissions (3):

Ambry Genetics
Classification: Likely pathogenic for Cardiovascular phenotype. Last evaluated: 2025-01-02. Review status: criteria provided, single submitter. Criteria: Ambry Variant Classification Scheme 2023. Collection method: clinical testing. Allele origin: germline.
Comment: The p.M1? variant (also known as c.1A>G) is located in coding exon 1 of the LDLRAP1 gene and results from a A to G substitution at nucleotide position 1. This alters the methionine residue at the initiation codon (ATG). This variant has been identified in the homozygous state in individual(s) with features consistent with homozygous familial hypercholesterolemia (FH) (S&aacute;nchez-Hern&aacute;ndez RM et al. Atherosclerosis. 2018 Feb;269:1-5). This amino acid position is highly conserved in available vertebrate species. In addition to the clinical data presented in the literature, sequence variations that modify the initiation codon are expected to result in either loss of translation initiation, N-terminal truncation, or cause a shift in the mRNA reading frame. Based on the majority of available evidence to date, this variant is likely to be pathogenic.

Natera, Inc.
Classification: Likely pathogenic for Familial hypercholesterolemia. Last evaluated: 2024-07-08. Review status: criteria provided, single submitter. Criteria: Natera Variant Classification Schema (03/2026). Collection method: clinical testing. Allele origin: germline.
Comment: The c.1A>G variant in LDLRAP1 is predicted to result in start loss due to disruption of the initiator methionine. This variant is expected to result in nonsense mediated decay, truncation, or a dysfunctional protein product. This variant is rare in the general population with a frequency below the threshold expected for the associated phenotype(s). This variant has been observed in one or more individuals affected with the associated recessive disease, as either homozygous or compound heterozygous with a second variant (PMID: 30777337). Functional studies show that this variant may disrupt protein function (PMID: 30777337). Given the available evidence, this variant is classified as Likely Pathogenic.

Revvity Omics, Revvity
Classification: Likely pathogenic for Hypercholesterolemia, familial, 4. Last evaluated: 2022-11-15. Review status: criteria provided, single submitter. Criteria: ACMG Guidelines, 2015. Collection method: clinical testing. Allele origin: germline.

Literature cited by the submitters: PubMed 29245109 (cited by Ambry Genetics); PubMed 30777337 (cited by Ambry Genetics and Natera, Inc.).